The following is an entry in ClinVar:

ClinVar aggregate classification (germline): Uncertain significance (1 of 4 stars; one submission).

Conditions:
Inborn genetic diseases. Identifiers: MedGen C0950123, MeSH D030342.

Submission:

Ambry Genetics
Classification: Uncertain significance for Inborn genetic diseases. Last evaluated: 2024-09-15. Review status: criteria provided, single submitter. Criteria: Ambry Variant Classification Scheme 2023. Collection method: clinical testing. Allele origin: germline.
Comment: The p.T1566I variant (also known as c.4697C>T), located in coding exon 27 of the ATR gene, results from a C to T substitution at nucleotide position 4697. The threonine at codon 1566 is replaced by isoleucine, an amino acid with similar properties. This amino acid position is conserved. In addition, this alteration is predicted to be tolerated by in silico analysis. Based on the available evidence, the clinical significance of this variant remains unclear.

NM_001184.4(ATR):c.4697C>T (p.Thr1566Ile)

Gene: ATR (ATR serine/threonine kinase; minus strand). Cytogenetic location: 3q23.
Variant type: single nucleotide variant.
Coding change: c.4697C>T on transcript NM_001184.4 (MANE Select); coding-DNA position 4697, C replaced by T.
Protein change: p.Thr1566Ile; replaces threonine 1566 with isoleucine.
Molecular consequence: missense variant.
Genome position (GRCh38, 1-based): chr3:142,512,415, G>A on the plus strand (C>T on the coding strand, the complement: ATR is on the minus strand). VCF-style: chr3-142512415-G-A. GRCh37 (hg19) VCF-style: chr3-142231257-G-A.
Other names: c.4505C>T, p.Thr1502Ile (NM_001354579.2); short protein forms T1566I, T1502I.
Identifiers: ClinVar variation 3462684 (VCV003462684.1).